The following is an entry in ClinVar:

ClinVar aggregate classification (germline): Pathogenic (1 of 4 stars; one submission).

Allele frequency attached by ClinVar (database versions not stated): TOPMed below 0.00001.

Submission:

Labcorp Genetics (formerly Invitae), Labcorp
Classification: Pathogenic. Last evaluated: 2023-07-27. Review status: criteria provided, single submitter. Criteria: Invitae Variant Classification Sherloc (09022015). Collection method: clinical testing. Allele origin: germline.
Comment: For these reasons, this variant has been classified as Pathogenic. This variant has not been reported in the literature in individuals affected with CLCNKB-related conditions. This variant is not present in population databases (gnomAD no frequency). This sequence change creates a premature translational stop signal (p.Ile282Serfs*67) in the CLCNKB gene. It is expected to result in an absent or disrupted protein product. Loss-of-function variants in CLCNKB are known to be pathogenic (PMID: 24830959, 26920127, 28381550, 29254190).

Literature cited by the submitters: PubMed 24830959; PubMed 26920127; PubMed 28381550; PubMed 29254190.

NM_000085.5(CLCNKB):c.843del (p.Ile282fs)

Genes: CLCNKB (chloride voltage-gated channel Kb; plus strand), LOC106501713 (CLCNKB recombination region; plus strand). Cytogenetic location: 1p36.13.
Variant type: Deletion.
Coding change: c.843del on transcript NM_000085.5 (MANE Select); coding-DNA position 843, one base deleted (G; older notation c.843delG).
Protein change: p.Ile282fs; shifts the reading frame from isoleucine 282.
Molecular consequence: frameshift variant.
Genome position (GRCh38, 1-based): chr1:16,049,679, G deleted. VCF-style (leftmost placement, unchanged base first): chr1-16049678-AG-A. GRCh37 (hg19) VCF-style: chr1-16376173-AG-A.
Other names: c.336del, p.Ile113fs (NM_001165945.2); short protein forms I113fs, I282fs.
Identifiers: ClinVar variation 2965395 (VCV002965395.3), dbSNP rs1278463714, ClinGen allele CA890091545.